The following is an entry in ClinVar:

ClinVar aggregate classification (germline): Uncertain significance. Review status: criteria provided, multiple submitters, no conflicts (2 of 4 stars). 2 submissions from 2 submitters: Uncertain significance (2). Last evaluated 2025-04-16.

Conditions:
Inborn genetic diseases. Identifiers: MedGen C0950123, MeSH D030342.
Congenital myopathy with internal nuclei and atypical cores. Also called: Myopathy, centronuclear, 4. Identifiers: Orphanet 319160, MedGen C4707232, MONDO:0013890, OMIM 614807.

Allele frequency attached by ClinVar (database versions not stated): TOPMed below 0.00001; gnomAD exomes 0.00001.
gnomAD v4.1: 4 of 1,553,816 alleles (0.00026%); highest among the groups gnomAD compares: Admixed American, 0.0039%; no homozygotes.

Submissions (2):

Ambry Genetics
Classification: Uncertain significance for Inborn genetic diseases. Last evaluated: 2025-04-16. Review status: criteria provided, single submitter. Criteria: Ambry Variant Classification Scheme 2023. Collection method: clinical testing. Allele origin: germline.

Labcorp Genetics (formerly Invitae), Labcorp
Classification: Uncertain significance for Congenital myopathy with internal nuclei and atypical cores. Last evaluated: 2020-08-16. Review status: criteria provided, single submitter. Criteria: Invitae Variant Classification Sherloc (09022015). Collection method: clinical testing. Allele origin: germline.
Comment: Algorithms developed to predict the effect of missense changes on protein structure and function are either unavailable or do not agree on the potential impact of this missense change (SIFT: "Deleterious"; PolyPhen-2: "Probably Damaging"; Align-GVGD: "Class C15"). This variant has not been reported in the literature in individuals with CCDC78-related conditions. This variant is not present in population databases (ExAC no frequency). This sequence change replaces glutamine with lysine at codon 57 of the CCDC78 protein (p.Gln57Lys). The glutamine residue is highly conserved and there is a small physicochemical difference between glutamine and lysine. In summary, the available evidence is currently insufficient to determine the role of this variant in disease. Therefore, it has been classified as a Variant of Uncertain Significance.

NM_001378030.1(CCDC78):c.169C>A (p.Gln57Lys)

Gene: CCDC78 (coiled-coil domain containing 78; minus strand). Cytogenetic location: 16p13.3.
Variant type: single nucleotide variant.
Coding change: c.169C>A on transcript NM_001378030.1 (MANE Select); coding-DNA position 169, C replaced by A.
Protein change: p.Gln57Lys; replaces glutamine 57 with lysine.
Molecular consequence: missense variant. On other transcripts: 5 prime UTR variant (1), non-coding transcript variant (5).
Genome position (GRCh38, 1-based): chr16:725,977, G>T on the plus strand (C>A on the coding strand, the complement: CCDC78 is on the minus strand). VCF-style: chr16-725977-G-T. GRCh37 (hg19) VCF-style: chr16-775977-G-T.
Other names: c.169C>A, p.Gln57Lys (NM_001031737.3, NM_001378031.1); c.-117C>A (NM_001378033.1); c.169C>A (NM_001031737.2); short protein forms Q57K.
Identifiers: ClinVar variation 1062016 (VCV001062016.10), dbSNP rs1180264424, ClinGen allele CA394105309.
Genomic context (GRCh38, chr16:725,977, plus strand): 5'-CCTGCTGGCACCCTCCCTCCTCACGAGCACGCTGGGGCCCCACACCCACCTGCAGCTGCT[G>T]CTCCTTATTGAGCGCTAGATCTGGTGGGACCTCTGCTTCCAAGCTGGTGGCCCACACTGC-3'
Protein context (NP_001364959.1, residues 47-67): VPPDLALNKE[Gln57Lys]QLQISKELVD